The following is an entry in ClinVar:

ClinVar aggregate classification (germline): Uncertain significance (1 of 4 stars; one submission).

Conditions:
Juvenile polyposis syndrome (JPS). Identifiers: Orphanet 2929, MedGen C0345893, MONDO:0017380, OMIM 174900.

Submission:

Labcorp Genetics (formerly Invitae), Labcorp
Classification: Uncertain significance for Juvenile polyposis syndrome. Last evaluated: 2021-11-08. Review status: criteria provided, single submitter. Criteria: Invitae Variant Classification Sherloc (09022015). Collection method: clinical testing. Allele origin: germline.
Comment: Advanced modeling of protein sequence and biophysical properties (such as structural, functional, and spatial information, amino acid conservation, physicochemical variation, residue mobility, and thermodynamic stability) performed at Invitae indicates that this missense variant is expected to disrupt BMPR1A protein function. This sequence change replaces proline, which is neutral and non-polar, with leucine, which is neutral and non-polar, at codon 410 of the BMPR1A protein (p.Pro410Leu). This variant is not present in population databases (gnomAD no frequency). This missense change has been observed in individual(s) with juvenile polyposis syndrome (PMID: 17873119). In summary, the available evidence is currently insufficient to determine the role of this variant in disease. Therefore, it has been classified as a Variant of Uncertain Significance.

Literature cited by the submitters: PubMed 17873119.

NM_004329.3(BMPR1A):c.1229C>T (p.Pro410Leu)

Gene: BMPR1A (bone morphogenetic protein receptor type 1A; plus strand). Cytogenetic location: 10q23.2.
Variant type: single nucleotide variant.
Coding change: c.1229C>T on transcript NM_004329.3 (MANE Select); coding-DNA position 1229, C replaced by T.
Protein change: p.Pro410Leu; replaces proline 410 with leucine.
Molecular consequence: missense variant.
Genome position (GRCh38, 1-based): chr10:86,921,582, C>T. VCF-style: chr10-86921582-C-T. GRCh37 (hg19) VCF-style: chr10-88681339-C-T.
Other names: short protein forms P410L.
Identifiers: ClinVar variation 1520137 (VCV001520137.6), dbSNP rs2133606748, ClinGen allele CA377462035.